The following is an entry in ClinVar:

NM_006302.3(MOGS):c.1835C>T (p.Thr612Met)

Gene: MOGS (mannosyl-oligosaccharide glucosidase; minus strand). Cytogenetic location: 2p13.1.
Variant type: single nucleotide variant.
Coding change: c.1835C>T on transcript NM_006302.3 (MANE Select); coding-DNA position 1835, C replaced by T.
Protein change: p.Thr612Met; replaces threonine 612 with methionine.
Molecular consequence: missense variant.
Genome position (GRCh38, 1-based): chr2:74,461,954, G>A on the plus strand (C>T on the coding strand, the complement: MOGS is on the minus strand). VCF-style: chr2-74461954-G-A. GRCh37 (hg19) VCF-style: chr2-74689081-G-A.
Other names: c.1835C>T, p.Thr612Met (LRG_1226t1); c.1517C>T, p.Thr506Met (NM_001146158.2); short protein forms T506M, T612M.
Identifiers: ClinVar variation 659140 (VCV000659140.9), dbSNP rs371586378, ClinGen allele CA1724710.

ClinVar aggregate classification (germline): Uncertain significance. Review status: criteria provided, multiple submitters, no conflicts (2 of 4 stars). 2 submissions from 2 submitters: Uncertain significance (2). Last evaluated 2025-01-13.

Conditions:
MOGS-congenital disorder of glycosylation. Also called: GLUCOSIDASE I DEFICIENCY; CDG 2B; MOGS-CDG; CDG IIb. Identifiers: Orphanet 79330, MedGen C1853736, MONDO:0011629, OMIM 606056.

Allele frequency attached by ClinVar (database versions not stated): TOPMed 0.00002; 1000 Genomes Project 30x 0.00016; 1000 Genomes Project 0.00020.
gnomAD v4.1: 15 of 1,614,148 alleles (0.00093%); highest among the groups gnomAD compares: African/African-American, 0.004%; no homozygotes.

Submissions (2):

Labcorp Genetics (formerly Invitae), Labcorp
Classification: Uncertain significance for MOGS-congenital disorder of glycosylation. Last evaluated: 2025-01-13. Review status: criteria provided, single submitter. Criteria: Invitae Variant Classification Sherloc (09022015). Collection method: clinical testing. Allele origin: germline.
Comment: This sequence change replaces threonine, which is neutral and polar, with methionine, which is neutral and non-polar, at codon 612 of the MOGS protein (p.Thr612Met). This variant is present in population databases (rs371586378, gnomAD 0.007%). This variant has not been reported in the literature in individuals affected with MOGS-related conditions. ClinVar contains an entry for this variant (Variation ID: 659140). Invitae Evidence Modeling of protein sequence and biophysical properties (such as structural, functional, and spatial information, amino acid conservation, physicochemical variation, residue mobility, and thermodynamic stability) indicates that this missense variant is not expected to disrupt MOGS protein function with a negative predictive value of 80%. In summary, the available evidence is currently insufficient to determine the role of this variant in disease. Therefore, it has been classified as a Variant of Uncertain Significance.

Fulgent Genetics
Classification: Uncertain significance for MOGS-congenital disorder of glycosylation. Last evaluated: 2024-06-16. Review status: criteria provided, single submitter. Criteria: ACMG Guidelines, 2015. Collection method: clinical testing. Allele origin: germline.